The following is an entry in ClinVar:

ClinVar aggregate classification (germline): Likely benign (1 of 4 stars; one submission).

gnomAD v4.1: 11 of 1,614,166 alleles (0.00068%); highest among the groups gnomAD compares: South Asian, 0.0044%; no homozygotes.

Submission:

CeGaT Center for Human Genetics Tuebingen
Classification: Likely benign. Last evaluated: 2026-02-01. Review status: criteria provided, single submitter. Criteria: CeGaT Center For Human Genetics Tuebingen Variant Classification Criteria Version 2. Collection method: clinical testing. Allele origin: germline. Affected: yes. Observed: 1 variant allele.
Comment: MAP1B: BP4

NM_005909.5(MAP1B):c.6934C>T (p.Arg2312Cys)

Gene: MAP1B (microtubule associated protein 1B; plus strand). Cytogenetic location: 5q13.2.
Variant type: single nucleotide variant.
Coding change: c.6934C>T on transcript NM_005909.5 (MANE Select); coding-DNA position 6934, C replaced by T.
Protein change: p.Arg2312Cys; replaces arginine 2312 with cysteine.
Molecular consequence: missense variant.
Genome position (GRCh38, 1-based): chr5:72,200,289, C>T. VCF-style: chr5-72200289-C-T. GRCh37 (hg19) VCF-style: chr5-71496116-C-T.
Other names: c.6556C>T, p.Arg2186Cys (NM_001324255.2); short protein forms R2186C, R2312C.
Identifiers: ClinVar variation 4821572 (VCV004821572.4).